The following is an entry in ClinVar:

ClinVar aggregate classification (germline): Uncertain significance (1 of 4 stars; one submission).

Submission:

CeGaT Center for Human Genetics Tuebingen
Classification: Uncertain significance. Last evaluated: 2024-03-01. Review status: criteria provided, single submitter. Criteria: CeGaT Center For Human Genetics Tuebingen Variant Classification Criteria Version 2. Collection method: clinical testing. Allele origin: germline. Affected: yes. Observed: 1 variant allele.
Comment: ASH1L: PM2, BP4

NM_018489.3(ASH1L):c.5144A>C (p.Asp1715Ala)

Gene: ASH1L (ASH1 like histone lysine methyltransferase; minus strand). Cytogenetic location: 1q22.
Variant type: single nucleotide variant.
Coding change: c.5144A>C on transcript NM_018489.3 (MANE Select); coding-DNA position 5144, A replaced by C.
Protein change: p.Asp1715Ala; replaces aspartic acid 1715 with alanine.
Molecular consequence: missense variant.
Genome position (GRCh38, 1-based): chr1:155,439,011, T>G on the plus strand (A>C on the coding strand, the complement: ASH1L is on the minus strand). VCF-style: chr1-155439011-T-G. GRCh37 (hg19) VCF-style: chr1-155408802-T-G.
Other names: c.5144A>C, p.Asp1715Ala (NM_001366177.2); short protein forms D1715A.
Identifiers: ClinVar variation 3067736 (VCV003067736.21), dbSNP rs928863081, ClinGen allele CA30930147.